The following is an entry in ClinVar:

ClinVar aggregate classification (germline): Likely pathogenic. Review status: criteria provided, multiple submitters, no conflicts (2 of 4 stars). 2 submissions from 2 submitters: Likely pathogenic (2). Last evaluated 2024-08-10.

Conditions:
Bardet-Biedl syndrome 10 (BBS10). Identifiers: Orphanet 110, MedGen C1859568, MONDO:0014438, OMIM 615987.

Submissions (2):

Natera, Inc.
Classification: Likely pathogenic for Bardet-Biedl syndrome type 10. Last evaluated: 2024-08-10. Review status: criteria provided, single submitter. Criteria: Natera Variant Classification Schema (03/2026). Collection method: clinical testing. Allele origin: germline.
Comment: The c.1063C>T variant in BBS10 is a nonsense variant predicted to introduce a stop codon at amino acid 355. This variant is expected to result in nonsense mediated decay, truncation, or a dysfunctional protein product. This variant is rare in the general population with a frequency below the threshold expected for the associated phenotype(s). This variant has been observed in one or more individuals affected with the associated recessive disease, as either homozygous or compound heterozygous with a second variant (PMID: 32448990). Given the available evidence, this variant is classified as Likely Pathogenic.

Fulgent Genetics
Classification: Likely pathogenic for Bardet-Biedl syndrome 10. Last evaluated: 2024-05-16. Review status: criteria provided, single submitter. Criteria: ACMG Guidelines, 2015. Collection method: clinical testing. Allele origin: germline.

Literature cited by the submitters: PubMed 32448990 (cited by Natera, Inc.).

NM_024685.4(BBS10):c.1063C>T (p.Gln355Ter)

Gene: BBS10 (Bardet-Biedl syndrome 10; minus strand). Cytogenetic location: 12q21.2.
Variant type: single nucleotide variant.
Coding change: c.1063C>T on transcript NM_024685.4 (MANE Select); coding-DNA position 1063, C replaced by T.
Protein change: p.Gln355Ter; replaces glutamine 355 with a stop codon.
Molecular consequence: nonsense.
Genome position (GRCh38, 1-based): chr12:76,346,922, G>A on the plus strand (C>T on the coding strand, the complement: BBS10 is on the minus strand). VCF-style: chr12-76346922-G-A. GRCh37 (hg19) VCF-style: chr12-76740702-G-A.
Other names: c.1063C>T (NM_024685.3); short protein forms Q355*.
Identifiers: ClinVar variation 3575291 (VCV003575291.2).
Genomic context (GRCh38, chr12:76,346,922, plus strand): 5'-TAAGAGGTTTACAAAATTTCACCAAAGCAGTGTTAGGTATTTCACACTGCGAAAAGGCCT[G>A]TGGTGGTACAAATGGAGAAAGACCAATGATCCTCCGGATAAGAGAAACTTCTTCTGATGA-3'